The following is an entry in ClinVar:

NM_014727.3(KMT2B):c.3814C>T (p.Arg1272Cys)

Gene: KMT2B (lysine methyltransferase 2B; plus strand). Cytogenetic location: 19q13.12.
Variant type: single nucleotide variant.
Coding change: c.3814C>T on transcript NM_014727.3 (MANE Select); coding-DNA position 3814, C replaced by T.
Protein change: p.Arg1272Cys; replaces arginine 1272 with cysteine.
Molecular consequence: missense variant.
Genome position (GRCh38, 1-based): chr19:35,725,747, C>T. VCF-style: chr19-35725747-C-T. GRCh37 (hg19) VCF-style: chr19-36216648-C-T.
Other names: short protein forms R1272C.
Identifiers: ClinVar variation 4700482 (VCV004700482.1).

ClinVar aggregate classification (germline): Uncertain significance (1 of 4 stars; one submission).

gnomAD v4.1: 2 of 1,606,520 alleles (0.00012%); highest among the groups gnomAD compares: Admixed American, 0.0017%; no homozygotes.

Submission:

Labcorp Genetics (formerly Invitae), Labcorp
Classification: Uncertain significance. Last evaluated: 2025-12-08. Review status: criteria provided, single submitter. Criteria: Invitae Variant Classification Sherloc (09022015). Collection method: clinical testing. Allele origin: germline.
Comment: This sequence change replaces arginine, which is basic and polar, with cysteine, which is neutral and slightly polar, at codon 1272 of the KMT2B protein (p.Arg1272Cys). The frequency data for this variant in the population databases is considered unreliable, as metrics indicate poor data quality at this position in the gnomAD database. This variant has not been reported in the literature in individuals affected with KMT2B-related conditions. An algorithm developed to predict the effect of missense changes on protein structure and function outputs the following: PolyPhen-2: "Not Available". The cysteine amino acid residue is found in multiple mammalian species, which suggests that this missense change does not adversely affect protein function. In summary, the available evidence is currently insufficient to determine the role of this variant in disease. Therefore, it has been classified as a Variant of Uncertain Significance.